The following is an entry in ClinVar:

ClinVar aggregate classification (germline): Uncertain significance (1 of 4 stars; one submission).

Conditions:
Autosomal recessive Alport syndrome (ATS2). Also called: ALPORT SYNDROME 2, AUTOSOMAL RECESSIVE; Alport syndrome type 2; COL4A4 Alport Syndrome and Thin Basement Membrane Nephropathy; COL4A3-Related Nephropathy. Identifiers: Orphanet 63, Orphanet 88919, MedGen C4746745, MONDO:0008762, OMIM 203780.

Submission:

3billion
Classification: Uncertain significance for Autosomal recessive Alport syndrome. Last evaluated: 2022-05-22. Review status: criteria provided, single submitter. Criteria: ACMG Guidelines, 2015. Collection method: clinical testing. Allele origin: germline. Affected: yes. Observed: 1 homozygote.
Comment: The variant is not observed in the gnomAD v2.1.1 dataset. In silico tool predictions suggest damaging effect of the variant on gene or gene product (REVEL: 0.97; 3Cnet: 0.88). Therefore, this variant is classified as uncertain significanceaccording to the recommendation of ACMG/AMP guideline.

NM_000091.5(COL4A3):c.1307G>T (p.Gly436Val)

Genes: MFF-DT (MFF divergent transcript; minus strand), COL4A3 (collagen type IV alpha 3 chain; plus strand). Cytogenetic location: 2q36.3.
Variant type: single nucleotide variant.
Coding change: c.1307G>T on transcript NM_000091.5 (MANE Select); coding-DNA position 1307, G replaced by T.
Protein change: p.Gly436Val; replaces glycine 436 with valine.
Molecular consequence: missense variant.
Genome position (GRCh38, 1-based): chr2:227,263,936, G>T. VCF-style: chr2-227263936-G-T. GRCh37 (hg19) VCF-style: chr2-228128652-G-T.
Other names: short protein forms G436V.
Identifiers: ClinVar variation 1687543 (VCV001687543.1), dbSNP rs1237274947, ClinGen allele CA350869602.